The following is an entry in ClinVar:

NM_020529.3(NFKBIA):c.220G>C (p.Gly74Arg)

Gene: NFKBIA (NFKB inhibitor alpha; minus strand). Cytogenetic location: 14q13.2.
Variant type: single nucleotide variant.
Coding change: c.220G>C on transcript NM_020529.3 (MANE Select); coding-DNA position 220, G replaced by C.
Protein change: p.Gly74Arg; replaces glycine 74 with arginine.
Molecular consequence: missense variant.
Genome position (GRCh38, 1-based): chr14:35,404,425, C>G on the plus strand (G>C on the coding strand, the complement: NFKBIA is on the minus strand). VCF-style: chr14-35404425-C-G. GRCh37 (hg19) VCF-style: chr14-35873631-C-G.
Other names: short protein forms G74R.
Identifiers: ClinVar variation 1001126 (VCV001001126.9), dbSNP rs766345843, ClinGen allele CA7155572.

ClinVar aggregate classification (germline): Uncertain significance (1 of 4 stars; one submission).

Conditions:
Ectodermal dysplasia and immunodeficiency 2. Identifiers: Orphanet 238468, Orphanet 98813, MedGen C2677481, MONDO:0012806, OMIM 612132.

Allele frequency attached by ClinVar (database versions not stated): gnomAD exomes below 0.00001; ExAC 0.00001; TOPMed 0.00002.
gnomAD v4.1: 11 of 1,584,988 alleles (0.00069%); highest among the groups gnomAD compares: Non-Finnish European, 0.00068%; no homozygotes.

Submission:

Labcorp Genetics (formerly Invitae), Labcorp
Classification: Uncertain significance for Ectodermal dysplasia and immunodeficiency 2. Last evaluated: 2024-10-29. Review status: criteria provided, single submitter. Criteria: Invitae Variant Classification Sherloc (09022015). Collection method: clinical testing. Allele origin: germline.
Comment: This sequence change replaces glycine, which is neutral and non-polar, with arginine, which is basic and polar, at codon 74 of the NFKBIA protein (p.Gly74Arg). This variant is present in population databases (rs766345843, gnomAD 0.002%). This variant has not been reported in the literature in individuals affected with NFKBIA-related conditions. ClinVar contains an entry for this variant (Variation ID: 1001126). An algorithm developed to predict the effect of missense changes on protein structure and function (PolyPhen-2) suggests that this variant is likely to be disruptive. In summary, the available evidence is currently insufficient to determine the role of this variant in disease. Therefore, it has been classified as a Variant of Uncertain Significance.